The following is an entry in ClinVar:

ClinVar aggregate classification (germline): Uncertain significance (1 of 4 stars; one submission).

Conditions:
UFD1-related disorder. Also called: UFD1-related condition.

gnomAD v4.1: 1 of 1,614,144 alleles (0.000062%); highest among the groups gnomAD compares: Non-Finnish European, 0.000085%; no homozygotes.

Submission:

PreventionGenetics, part of Exact Sciences
Classification: Uncertain significance for UFD1-related condition. Last evaluated: 2025-04-23. Review status: criteria provided, single submitter. Criteria: ACMG Guidelines, 2015. Collection method: clinical testing. Allele origin: germline.
Comment: The UFD1 c.388C>A variant is predicted to result in the amino acid substitution p.Pro130Thr. To our knowledge, this variant has not been reported in the literature or in a large population database (gnomAD), indicating this variant is rare. At this time, the clinical significance of this variant is uncertain due to the absence of conclusive functional and genetic evidence.

NM_005659.7(UFD1):c.388C>A (p.Pro130Thr)

Gene: UFD1 (ubiquitin recognition factor in ER associated degradation 1; minus strand). Cytogenetic location: 22q11.21.
Variant type: single nucleotide variant.
Coding change: c.388C>A on transcript NM_005659.7 (MANE Select); coding-DNA position 388, C replaced by A.
Protein change: p.Pro130Thr; replaces proline 130 with threonine.
Molecular consequence: missense variant.
Genome position (GRCh38, 1-based): chr22:19,467,907, G>T on the plus strand (C>A on the coding strand, the complement: UFD1 is on the minus strand). VCF-style: chr22-19467907-G-T. GRCh37 (hg19) VCF-style: chr22-19455430-G-T.
Other names: c.388C>A, p.Pro130Thr (NM_001035247.3); c.373C>A, p.Pro125Thr (NM_001362910.2); short protein forms P125T, P130T.
Identifiers: ClinVar variation 5002443 (VCV005002443.1).